The following is an entry in ClinVar:

ClinVar aggregate classification (germline): Conflicting classifications of pathogenicity. Review status: criteria provided, conflicting classifications (1 of 4 stars). 3 submissions from 3 submitters: Uncertain significance (1); Likely benign (2). Last evaluated 2025-11-17.

Conditions:
Inborn genetic diseases. Identifiers: MedGen C0950123, MeSH D030342.
KBG syndrome (KBGS). Also called: ANKRD11-Related KBG Syndrome. Identifiers: Orphanet 2332, MedGen C0220687, MONDO:0007846, OMIM 148050.

Allele frequency attached by ClinVar (database versions not stated): gnomAD exomes 0.00002; ExAC 0.00005; gnomAD 0.00007; ESP Exome Variant Server 0.00008; TOPMed 0.00013.
gnomAD v4.1: 43 of 1,613,498 alleles (0.0027%); highest among the groups gnomAD compares: Middle Eastern, 0.017%; no homozygotes.

Submissions (3):

Labcorp Genetics (formerly Invitae), Labcorp
Classification: Uncertain significance for KBG syndrome. Last evaluated: 2025-11-17. Review status: criteria provided, single submitter. Criteria: Invitae Variant Classification Sherloc (09022015). Collection method: clinical testing. Allele origin: germline.
Comment: This sequence change replaces arginine, which is basic and polar, with glutamine, which is neutral and polar, at codon 601 of the ANKRD11 protein (p.Arg601Gln). This variant is present in population databases (rs371119186, gnomAD 0.006%). This variant has not been reported in the literature in individuals affected with ANKRD11-related conditions. ClinVar contains an entry for this variant (Variation ID: 2397789). Invitae Evidence Modeling of protein sequence and biophysical properties (such as structural, functional, and spatial information, amino acid conservation, physicochemical variation, residue mobility, and thermodynamic stability) indicates that this missense variant is not expected to disrupt ANKRD11 protein function with a negative predictive value of 95%. In summary, the available evidence is currently insufficient to determine the role of this variant in disease. Therefore, it has been classified as a Variant of Uncertain Significance.

CeGaT Center for Human Genetics Tuebingen
Classification: Likely benign. Last evaluated: 2025-11-01. Review status: criteria provided, single submitter. Criteria: CeGaT Center For Human Genetics Tuebingen Variant Classification Criteria Version 2. Collection method: clinical testing. Allele origin: germline. Affected: yes. Observed: 2 variant alleles.
Comment: ANKRD11: BP4

Ambry Genetics
Classification: Likely benign for Inborn genetic diseases. Last evaluated: 2021-07-14. Review status: criteria provided, single submitter. Criteria: Ambry Variant Classification Scheme 2023. Collection method: clinical testing. Allele origin: germline.

NM_013275.6(ANKRD11):c.1802G>A (p.Arg601Gln)

Gene: ANKRD11 (ankyrin repeat domain 11; minus strand). Cytogenetic location: 16q24.3.
Variant type: single nucleotide variant.
Coding change: c.1802G>A on transcript NM_013275.6 (MANE Select); coding-DNA position 1802, G replaced by A.
Protein change: p.Arg601Gln; replaces arginine 601 with glutamine.
Molecular consequence: missense variant.
Genome position (GRCh38, 1-based): chr16:89,284,740, C>T on the plus strand (G>A on the coding strand, the complement: ANKRD11 is on the minus strand). VCF-style: chr16-89284740-C-T. GRCh37 (hg19) VCF-style: chr16-89351148-C-T.
Other names: c.1802G>A, p.Arg601Gln (NM_001256182.2, NM_001256183.2); c.1802G>A (NM_013275.4); short protein forms R601Q.
Identifiers: ClinVar variation 2397789 (VCV002397789.32), dbSNP rs371119186, ClinGen allele CA8242693.